The following is an entry in ClinVar:

NM_001371395.1(USP53):c.976G>A (p.Gly326Arg)

Gene: USP53 (ubiquitin specific peptidase 53; plus strand). Cytogenetic location: 4q26.
Variant type: single nucleotide variant.
Coding change: c.976G>A on transcript NM_001371395.1 (MANE Select); coding-DNA position 976, G replaced by A.
Protein change: p.Gly326Arg; replaces glycine 326 with arginine.
Molecular consequence: missense variant.
Genome position (GRCh38, 1-based): chr4:119,267,323, G>A. VCF-style: chr4-119267323-G-A. GRCh37 (hg19) VCF-style: chr4-120188478-G-A.
Other names: c.976G>A, p.Gly326Arg (NM_001371396.1, NM_001371397.1, NM_001371398.1 and 5 more transcripts); c.826G>A, p.Gly276Arg (NM_001389660.1); c.628G>A, p.Gly210Arg (NM_001389662.1, NM_001389663.1, NM_001389664.1 and 3 more transcripts); c.976G>A (NM_019050.2); short protein forms G276R, G326R, G210R.
Identifiers: ClinVar variation 2585048 (VCV002585048.2), dbSNP rs199709106, ClinGen allele CA3059053.

ClinVar aggregate classification (germline): Uncertain significance. Review status: criteria provided, multiple submitters, no conflicts (2 of 4 stars). 2 submissions from 2 submitters: Uncertain significance (2). Last evaluated 2023-08-15.

Conditions:
Cholestasis, progressive familial intrahepatic, 7, with or without hearing loss. Identifiers: MedGen C5562043, MONDO:0030503, OMIM 619658.
Inborn genetic diseases. Identifiers: MedGen C0950123, MeSH D030342.

Allele frequency attached by ClinVar (database versions not stated): TOPMed 0.00001; ExAC 0.00004; gnomAD 0.00005; 1000 Genomes Project 30x 0.00016; 1000 Genomes Project 0.00020.
gnomAD v4.1: 161 of 1,610,398 alleles (0.01%); highest among the groups gnomAD compares: East Asian, 0.33%; no homozygotes.

Submissions (2):

Ambry Genetics
Classification: Uncertain significance for Inborn genetic diseases. Last evaluated: 2023-08-15. Review status: criteria provided, single submitter. Criteria: Ambry Variant Classification Scheme 2023. Collection method: clinical testing. Allele origin: germline.

Neuberg Centre For Genomic Medicine, NCGM
Classification: Uncertain significance for Cholestasis, progressive familial intrahepatic, 7, with or without hearing loss. Review status: criteria provided, single submitter. Criteria: ACMG Guidelines, 2015. Collection method: clinical testing. Allele origin: germline. Inheritance: Autosomal recessive inheritance. Affected: yes.
Comment: The missense variant in c.976G>A(p.Gly326Arg) in USP53 gene has not been reported previously as a pathogenic variant nor as a benign variant, to our knowledge. This variant has been reported with allele frequency of 0.006% in gnomAD database. The amino acid change p.Gly326Arg in USP53 is predicted as conserved by GERP++ and PhyloP across 100 vertebrates. The amino acid Gly at position 326 is changed to a Arg changing protein sequence and it might alter its composition and physico-chemical properties. For these reasons, this variant has been classified as Uncertain Significance (VUS). In the absence of another reportable variant /CNV in USP53 gene, the molecular diagnosis is not confirmed.